The following is an entry in ClinVar:

NM_177550.5(SLC13A5):c.1002C>A (p.Asp334Glu)

Gene: SLC13A5 (solute carrier family 13 member 5; minus strand). Cytogenetic location: 17p13.1.
Variant type: single nucleotide variant.
Coding change: c.1002C>A on transcript NM_177550.5 (MANE Select); coding-DNA position 1002, C replaced by A.
Protein change: p.Asp334Glu; replaces aspartic acid 334 with glutamic acid.
Molecular consequence: missense variant.
Genome position (GRCh38, 1-based): chr17:6,695,779, G>T on the plus strand (C>A on the coding strand, the complement: SLC13A5 is on the minus strand). VCF-style: chr17-6695779-G-T. GRCh37 (hg19) VCF-style: chr17-6599098-G-T.
Other names: c.1002C>A, p.Asp334Glu (NM_001143838.3); c.951C>A, p.Asp317Glu (NM_001284509.2); c.873C>A, p.Asp291Glu (NM_001284510.2); short protein forms D291E, D334E, D317E.
Identifiers: ClinVar variation 842872 (VCV000842872.4), dbSNP rs765942920, ClinGen allele CA8331557.
Genomic context (GRCh38, chr17:6,695,779, plus strand): 5'-GACTTACTTTGTCTCACCCTCCACCCAGGCAACAGTCAGCCAGCCGGGCATGAAGCCGGG[G>T]TCTCGGGAGAACCACAGGATGACCAGCAGGAAGAAGCAGATCAGCACGTTGATCTCCGCG-3'
Protein context (NP_808218.1, residues 324-344): FLLVILWFSR[Asp334Glu]PGFMPGWLTV

ClinVar aggregate classification (germline): Uncertain significance (1 of 4 stars; one submission).

Conditions:
Developmental and epileptic encephalopathy, 25 (DEE25). Also called: Epileptic encephalopathy, early infantile, 25; Developmental and epileptic encephalopathy 25, with amelogenesis imperfecta; Epileptic encephalopathy, early infantile, 25, with amelogenesis imperfecta. Identifiers: Orphanet 442835, MedGen C4014621, MONDO:0014392, OMIM 615905.

Allele frequency attached by ClinVar (database versions not stated): gnomAD 0.00001; gnomAD exomes 0.00002; ExAC 0.00003.
gnomAD v4.1: 84 of 1,614,044 alleles (0.0052%); highest among the groups gnomAD compares: Non-Finnish European, 0.0067%; no homozygotes.

Submission:

Labcorp Genetics (formerly Invitae), Labcorp
Classification: Uncertain significance for Developmental and epileptic encephalopathy, 25. Last evaluated: 2022-08-23. Review status: criteria provided, single submitter. Criteria: Invitae Variant Classification Sherloc (09022015). Collection method: clinical testing. Allele origin: germline.
Comment: This sequence change replaces aspartic acid, which is acidic and polar, with glutamic acid, which is acidic and polar, at codon 334 of the SLC13A5 protein (p.Asp334Glu). This variant is present in population databases (rs765942920, gnomAD 0.005%). This variant has not been reported in the literature in individuals affected with SLC13A5-related conditions. ClinVar contains an entry for this variant (Variation ID: 842872). Algorithms developed to predict the effect of missense changes on protein structure and function (SIFT, PolyPhen-2, Align-GVGD) all suggest that this variant is likely to be tolerated. In summary, the available evidence is currently insufficient to determine the role of this variant in disease. Therefore, it has been classified as a Variant of Uncertain Significance.